The following is an entry in ClinVar:

ClinVar aggregate classification (germline): Uncertain significance. Review status: criteria provided, multiple submitters, no conflicts (2 of 4 stars). 2 submissions from 2 submitters: Uncertain significance (2). Last evaluated 2020-03-31.

Conditions:
Muscular dystrophy-dystroglycanopathy (congenital with brain and eye anomalies), type A14. Also called: Congenital Muscular Dystrophy-Dystroglycanopathy with Brain and Eye Anomalies Type A 14; Congenital muscular dystrophy-dystroglycanopathy with brain and eye anomalies, type A14; Muscular dystrophy-dystroglycanopathy (congenital with brain and eye anomalies), type a, 14; WALKER-WARBURG SYNDROME OR MUSCLE-EYE-BRAIN DISEASE, GMPPB-RELATED. Identifiers: Orphanet 588, MedGen C3809216, MONDO:0014140, OMIM 615350.
Muscular dystrophy-dystroglycanopathy (congenital with impaired intellectual development), type B, 14. Also called: Congenital muscular dystrophy-dystroglycanopathy with mental retardation, type B14; MUSCULAR DYSTROPHY, CONGENITAL, GMPPB-RELATED; Muscular dystrophy-dystroglycanopathy (congenital with intellectual disability), type B14. Identifiers: MedGen C3809221, MONDO:0014141, OMIM 615351.
Autosomal recessive limb-girdle muscular dystrophy type 2T. Also called: Limb-girdle muscular dystrophy-dystroglycanopathy, type C14; Muscular dystrophy-dystroglycanopathy (limb-girdle), type c, 14; MUSCULAR DYSTROPHY-DYSTROGLYCANOPATHY, LIMB-GIRDLE, GMPPB-RELATED; MUSCULAR DYSTROPHY, LIMB-GIRDLE, TYPE 2T. Identifiers: Orphanet 363623, MedGen C4518000, MONDO:0014142, OMIM 615352.

Allele frequency attached by ClinVar (database versions not stated): gnomAD exomes below 0.00001 and 0.00001; TOPMed below 0.00001; ExAC 0.00001; gnomAD 0.00001.

Submissions (2):

GeneDx
Classification: Uncertain significance. Last evaluated: 2020-03-31. Review status: criteria provided, single submitter. Criteria: GeneDx Variant Classification Process June 2021. Collection method: clinical testing. Allele origin: germline. Affected: yes.
Comment: In silico analysis supports that this missense variant has a deleterious effect on protein structure/function; Not observed at a significant frequency in large population cohorts (Lek et al., 2016); This variant is associated with the following publications: (PMID: 31211170, 30684953, 28433477)

Labcorp Genetics (formerly Invitae), Labcorp
Classification: Uncertain significance for Autosomal recessive limb-girdle muscular dystrophy type 2T; Muscular dystrophy-dystroglycanopathy (congenital with brain and eye anomalies), type A14; Muscular dystrophy-dystroglycanopathy (congenital with impaired intellectual development), type B, 14. Last evaluated: 2017-09-16. Review status: criteria provided, single submitter. Criteria: Invitae Variant Classification Sherloc (09022015). Collection method: clinical testing. Allele origin: germline.
Comment: In summary, the available evidence is currently insufficient to determine the role of this variant in disease. Therefore, it has been classified as a Variant of Uncertain Significance. Algorithms developed to predict the effect of missense changes on protein structure and function do not agree on the potential impact of this missense change (SIFT: "Deleterious"; PolyPhen-2: "Possibly Damaging"; Align-GVGD: "Class C0"). This variant has not been reported in the literature in individuals with GMPPB-related disease. This variant is present in population databases (rs756682220, ExAC 0.01%). This sequence change replaces arginine with tryptophan at codon 293 of the GMPPB protein (p.Arg293Trp). The arginine residue is weakly conserved and there is a moderate physicochemical difference between arginine and tryptophan.

NM_021971.4(GMPPB):c.877C>T (p.Arg293Trp)

Gene: GMPPB (GDP-mannose pyrophosphorylase B; minus strand). Cytogenetic location: 3p21.31.
Variant type: single nucleotide variant.
Coding change: c.877C>T on transcript NM_021971.4 (MANE Select); coding-DNA position 877, C replaced by T.
Protein change: p.Arg293Trp; replaces arginine 293 with tryptophan.
Molecular consequence: missense variant.
Genome position (GRCh38, 1-based): chr3:49,722,039, G>A on the plus strand (C>T on the coding strand, the complement: GMPPB is on the minus strand). VCF-style: chr3-49722039-G-A. GRCh37 (hg19) VCF-style: chr3-49759472-G-A.
Other names: c.877C>T, p.Arg293Trp (NM_013334.4); short protein forms R293W.
Identifiers: ClinVar variation 541075 (VCV000541075.7), dbSNP rs756682220, ClinGen allele CA2405419.